The following is an entry in ClinVar:

ClinVar aggregate classification (germline): Likely benign (1 of 4 stars; one submission).

Allele frequency attached by ClinVar (database versions not stated): ExAC 0.00001; gnomAD 0.00001; TOPMed 0.00001; gnomAD exomes 0.00002.

Submission:

CeGaT Center for Human Genetics Tuebingen
Classification: Likely benign. Last evaluated: 2022-06-01. Review status: criteria provided, single submitter. Criteria: CeGaT Center For Human Genetics Tuebingen Variant Classification Criteria Version 2. Collection method: clinical testing. Allele origin: germline. Affected: yes. Observed: 1 variant allele.
Comment: FLG: BP4, BP7

NM_002016.2(FLG):c.4413G>A (p.Glu1471=)

Genes: CCDST (cervical cancer associated DHX9 suppressive transcript; plus strand), FLG (filaggrin; minus strand). Cytogenetic location: 1q21.3.
Variant type: single nucleotide variant.
Coding change: c.4413G>A on transcript NM_002016.2 (MANE Select); coding-DNA position 4413, G replaced by A.
Protein change: p.Glu1471=; no amino-acid change (glutamic acid 1471 retained).
Molecular consequence: synonymous variant.
Genome position (GRCh38, 1-based): chr1:152,310,473, C>T on the plus strand (G>A on the coding strand, the complement: FLG is on the minus strand). VCF-style: chr1-152310473-C-T. GRCh37 (hg19) VCF-style: chr1-152282949-C-T.
Identifiers: ClinVar variation 2639288 (VCV002639288.24), dbSNP rs537358852, ClinGen allele CA1106234.